The following is an entry in ClinVar:

ClinVar aggregate classification (germline): Uncertain significance. Review status: criteria provided, multiple submitters, no conflicts (2 of 4 stars). 2 submissions from 2 submitters: Uncertain significance (2). Last evaluated 2024-11-15.

Conditions:
Joubert syndrome 21 (JBTS21). Identifiers: MedGen C3810212, MONDO:0014288, OMIM 615636.
Inborn genetic diseases. Identifiers: MedGen C0950123, MeSH D030342.

Allele frequency attached by ClinVar (database versions not stated): 1000 Genomes Project 30x 0.00016; ESP Exome Variant Server 0.00017; 1000 Genomes Project 0.00020; ExAC 0.00002; TOPMed 0.00009.
gnomAD v4.1: 25 of 1,613,964 alleles (0.0015%); highest among the groups gnomAD compares: African/African-American, 0.032%; no homozygotes.

Submissions (2):

Ambry Genetics
Classification: Uncertain significance for Inborn genetic diseases. Last evaluated: 2024-11-15. Review status: criteria provided, single submitter. Criteria: Ambry Variant Classification Scheme 2023. Collection method: clinical testing. Allele origin: germline.

Labcorp Genetics (formerly Invitae), Labcorp
Classification: Uncertain significance for Joubert syndrome 21. Last evaluated: 2023-12-07. Review status: criteria provided, single submitter. Criteria: Invitae Variant Classification Sherloc (09022015). Collection method: clinical testing. Allele origin: germline.
Comment: This sequence change replaces glutamine, which is neutral and polar, with lysine, which is basic and polar, at codon 1009 of the CSPP1 protein (p.Gln1009Lys). This variant is present in population databases (rs374717800, gnomAD 0.03%). This variant has not been reported in the literature in individuals affected with CSPP1-related conditions. ClinVar contains an entry for this variant (Variation ID: 1037109). An algorithm developed to predict the effect of missense changes on protein structure and function (PolyPhen-2) suggests that this variant¬†is likely to be tolerated. In summary, the available evidence is currently insufficient to determine the role of this variant in disease. Therefore, it has been classified as a Variant of Uncertain Significance.

NM_001382391.1(CSPP1):c.3040C>A (p.Gln1014Lys)

Genes: ARFGEF1 (ARF guanine nucleotide exchange factor 1; minus strand), CSPP1 (centrosome and spindle pole associated protein 1; plus strand). Cytogenetic location: 8q13.2.
Variant type: single nucleotide variant.
Coding change: c.3040C>A on transcript NM_001382391.1 (MANE Select); coding-DNA position 3040, C replaced by A.
Protein change: p.Gln1014Lys; replaces glutamine 1014 with lysine.
Molecular consequence: missense variant. On other transcripts: 3 prime UTR variant (2).
Genome position (GRCh38, 1-based): chr8:67,175,367, C>A. VCF-style: chr8-67175367-C-A. GRCh37 (hg19) VCF-style: chr8-68087602-C-A.
Other names: c.*188G>T (NM_001413186.1, NM_001413187.1); c.1990C>A, p.Gln664Lys (NM_001291339.2); c.2959C>A, p.Gln987Lys (NM_001363131.2); c.2845C>A, p.Gln949Lys (NM_001363132.2); c.2764C>A, p.Gln922Lys (NM_001363133.2); c.3106C>A, p.Gln1036Lys (NM_001364869.1); c.2926C>A, p.Gln976Lys (NM_001364870.1); c.2872C>A, p.Gln958Lys (NM_001438330.1); and 2 more; short protein forms Q1036K, Q664K, Q949K, Q922K, Q1009K, Q976K, Q987K, Q1014K.
Identifiers: ClinVar variation 1037109 (VCV001037109.8), dbSNP rs374717800, ClinGen allele CA4771017.
Genomic context (GRCh38, chr8:67,175,367, plus strand): 5'-CGAGTTGATCTGAAATTTATGTACCTGGATCCTCCAAGAGATCATCACACCTTAGAGATT[C>A]AGCAGCAAGCCCTGCTAAGAGAGCAGCAGAAGAGGCTGAACAGAATAAAAATGCAGGAAG-3'
Protein context (NP_001369320.1, residues 1004-1024): PPRDHHTLEI[Gln1014Lys]QQALLREQQK